The following is an entry in ClinVar:

ClinVar aggregate classification (germline): Likely benign (1 of 4 stars; one submission).

Submission:

CeGaT Center for Human Genetics Tuebingen
Classification: Likely benign. Last evaluated: 2023-11-01. Review status: criteria provided, single submitter. Criteria: CeGaT Center For Human Genetics Tuebingen Variant Classification Criteria Version 2. Collection method: clinical testing. Allele origin: germline. Affected: yes. Observed: 3 variant alleles.
Comment: SHANK3: PM2:Supporting, BP4, BP7

NM_001372044.2(SHANK3):c.5016A>C (p.Ala1672=)

Gene: SHANK3 (SH3 and multiple ankyrin repeat domains 3; plus strand). Cytogenetic location: 22q13.33.
Variant type: single nucleotide variant.
Coding change: c.5016A>C on transcript NM_001372044.2 (MANE Select); coding-DNA position 5016, A replaced by C.
Protein change: p.Ala1672=; no amino-acid change (alanine 1672 retained).
Molecular consequence: synonymous variant.
Genome position (GRCh38, 1-based): chr22:50,730,907, A>C. VCF-style: chr22-50730907-A-C. GRCh37 (hg19) VCF-style: chr22-51169335-A-C.
Other names: c.4791A>C, p.Ala1597= (NM_033517.1).
Identifiers: ClinVar variation 2653431 (VCV002653431.24), dbSNP rs1373922350, ClinGen allele CA515266815.
Genomic context (GRCh38, chr22:50,730,907, plus strand): 5'-CCCGGTGAAGCCCGCGTCGCTGGAGCGGGTGGAGGGGCTGGGGGCGGGCGCGGGGGGCGC[A>C]GGGCGGCCCTTCGGCCTCACGCCCCCCACCATCCTCAAGTCGTCCAGCCTCTCCATCCCG-3'
Protein context (NP_001358973.1, residues 1662-1682): VEGLGAGAGG[Ala1672=]GRPFGLTPPT